The following is an entry in ClinVar:

Conditions:
Breast-ovarian cancer, familial, susceptibility to, 1 (BROVCA1). Also called: BRCA1 Hereditary Breast and Ovarian Cancer; OVARIAN CANCER, SUSCEPTIBILITY TO. Identifiers: Orphanet 145, MedGen C2676676, MONDO:0011450, OMIM 604370. Disease mechanism: loss of function.

Submission:

Brotman Baty Institute, University of Washington
No classification provided (evidence only). Condition: Breast-ovarian cancer, familial 1. Review status: no classification provided. Collection method: in vitro. Allele origin: not applicable. Functional consequence: functionally_normal.
ClinVar note: "not provided" was previously submitted as the classification for the variant. However, the classification appeared to be based only on an observation of functional data so it was converted to no classification on 2025-07-30.

NM_007294.4(BRCA1):c.134+17T>A

Gene: BRCA1 (BRCA1 DNA repair associated; minus strand). Cytogenetic location: 17q21.31.
Variant type: single nucleotide variant.
Coding change: c.134+17T>A on transcript NM_007294.4 (MANE Select); 17 bases into the intron after coding-DNA position 134, T replaced by A.
Molecular consequence: intron variant.
Genome position (GRCh38, 1-based): chr17:43,115,709, A>T on the plus strand (T>A on the coding strand, the complement: BRCA1 is on the minus strand). VCF-style: chr17-43115709-A-T. GRCh37 (hg19) VCF-style: chr17-41267726-A-T.
Other names: c.-171+17T>A (NM_001408492.1, NM_001407889.1, NM_001407900.1); c.-124+17T>A (NM_001408468.1, NM_001407842.1, NM_001407749.1 and 13 more transcripts); c.-128+17T>A (NM_001407695.1, NM_001408465.1); c.-8+17T>A (NM_001407846.1, NM_001408503.1, NM_001407943.1 and 47 more transcripts); c.-8+5849T>A (NM_001407726.1, NM_001407751.1); c.-55+17T>A (NM_001408513.1, NM_001407899.1, NM_001408507.1 and 52 more transcripts); c.134+17T>A (NM_001407973.1, NM_001407596.1, NM_001408495.1 and 191 more transcripts); c.-219+9562T>A (NM_001407966.1); and 10 more.
Identifiers: ClinVar variation 867854 (VCV000867854.3), dbSNP rs2055238405, ClinGen allele CA916080958.